The following is an entry in ClinVar:

NM_001145319.2(PLS1):c.1180G>A (p.Glu394Lys)

Gene: PLS1 (plastin 1; plus strand). Cytogenetic location: 3q23.
Variant type: single nucleotide variant.
Coding change: c.1180G>A on transcript NM_001145319.2 (MANE Select); coding-DNA position 1180, G replaced by A.
Protein change: p.Glu394Lys; replaces glutamic acid 394 with lysine.
Molecular consequence: missense variant.
Genome position (GRCh38, 1-based): chr3:142,694,471, G>A. VCF-style: chr3-142694471-G-A. GRCh37 (hg19) VCF-style: chr3-142413313-G-A.
Other names: c.1180G>A, p.Glu394Lys (NM_001172312.2, NM_002670.3); c.1180G>A (NM_001172312.1); short protein forms E394K.
Identifiers: ClinVar variation 2629586 (VCV002629586.2), dbSNP rs2038152128, ClinGen allele CA354834137.

ClinVar aggregate classification (germline): Uncertain significance. Review status: criteria provided, multiple submitters, no conflicts (2 of 4 stars). 2 submissions from 2 submitters: Uncertain significance (2). Last evaluated 2025-01-19.

Conditions:
Inborn genetic diseases. Identifiers: MedGen C0950123, MeSH D030342.
PLS1-related disorder. Also called: PLS1-related condition.

Allele frequency attached by ClinVar (database versions not stated): gnomAD exomes below 0.00001; TOPMed 0.00002.
gnomAD v4.1: 3 of 1,596,086 alleles (0.00019%); highest among the groups gnomAD compares: Non-Finnish European, 0.00017%; no homozygotes.

Submissions (2):

Ambry Genetics
Classification: Uncertain significance for Inborn genetic diseases. Last evaluated: 2025-01-19. Review status: criteria provided, single submitter. Criteria: Ambry Variant Classification Scheme 2023. Collection method: clinical testing. Allele origin: germline.

PreventionGenetics, part of Exact Sciences
Classification: Uncertain significance for PLS1-related condition. Last evaluated: 2023-01-24. Review status: criteria provided, single submitter. Criteria: ACMG Guidelines, 2015. Collection method: clinical testing. Allele origin: germline.
Comment: The PLS1 c.1180G>A variant is predicted to result in the amino acid substitution p.Glu394Lys. To our knowledge, this variant has not been reported in the literature or in a large population database, indicating this variant is rare. At this time, the clinical significance of this variant is uncertain due to the absence of conclusive functional and genetic evidence.